The following is an entry in ClinVar:

ClinVar aggregate classification (germline): Uncertain significance. Review status: criteria provided, multiple submitters, no conflicts (2 of 4 stars). 2 submissions from 2 submitters: Uncertain significance (2). Last evaluated 2025-10-15.

Conditions:
Inborn genetic diseases. Identifiers: MedGen C0950123, MeSH D030342.
Immunodeficiency, common variable, 10. Also called: DEFICIT IN ANTERIOR PITUITARY FUNCTION AND VARIABLE IMMUNODEFICIENCY; IMMUNODEFICIENCY, COMMON VARIABLE, WITH CENTRAL ADRENAL INSUFFICIENCY. Identifiers: MedGen C3809991, MONDO:0014260, OMIM 615577.

Allele frequency attached by ClinVar (database versions not stated): ExAC 0.00001; gnomAD 0.00001; gnomAD exomes 0.00001; TOPMed 0.00003.

Submissions (2):

Labcorp Genetics (formerly Invitae), Labcorp
Classification: Uncertain significance for Immunodeficiency, common variable, 10. Last evaluated: 2025-10-15. Review status: criteria provided, single submitter. Criteria: Invitae Variant Classification Sherloc (09022015). Collection method: clinical testing. Allele origin: germline.
Comment: This sequence change replaces threonine, which is neutral and polar, with methionine, which is neutral and non-polar, at codon 732 of the NFKB2 protein (p.Thr732Met). The frequency data for this variant in the population databases is considered unreliable, as metrics indicate poor data quality at this position in the gnomAD database. This variant has not been reported in the literature in individuals affected with NFKB2-related conditions. ClinVar contains an entry for this variant (Variation ID: 2161781). An algorithm developed to predict the effect of missense changes on protein structure and function (PolyPhen-2) suggests that this variant is likely to be disruptive. In summary, the available evidence is currently insufficient to determine the role of this variant in disease. Therefore, it has been classified as a Variant of Uncertain Significance.

Ambry Genetics
Classification: Uncertain significance for Inborn genetic diseases. Last evaluated: 2024-11-13. Review status: criteria provided, single submitter. Criteria: Ambry Variant Classification Scheme 2023. Collection method: clinical testing. Allele origin: germline.

NM_001322934.2(NFKB2):c.2195C>T (p.Thr732Met)

Gene: NFKB2 (nuclear factor kappa B subunit 2; plus strand). Cytogenetic location: 10q24.32.
Variant type: single nucleotide variant.
Coding change: c.2195C>T on transcript NM_001322934.2 (MANE Select); coding-DNA position 2195, C replaced by T.
Protein change: p.Thr732Met; replaces threonine 732 with methionine.
Molecular consequence: missense variant.
Genome position (GRCh38, 1-based): chr10:102,401,303, C>T. VCF-style: chr10-102401303-C-T. GRCh37 (hg19) VCF-style: chr10-104161060-C-T.
Other names: c.2195C>T, p.Thr732Met (NM_001077493.1, NM_001077494.3, NM_001261403.3 and 2 more transcripts); c.2069C>T, p.Thr690Met (NM_001322935.1); c.2195C>T (NM_001077494.1); short protein forms T690M, T732M.
Identifiers: ClinVar variation 2161781 (VCV002161781.5), dbSNP rs770252946, ClinGen allele CA5665013.